The following is an entry in ClinVar:

ClinVar aggregate classification (germline): Uncertain significance. Review status: criteria provided, multiple submitters, no conflicts (2 of 4 stars). 4 submissions from 4 submitters: Uncertain significance (3). 1 of the submissions does not count toward it. Last evaluated 2026-02-17.

Conditions:
Syndromic intellectual disability. Also called: Intellectual disability syndrome. Identifiers: Orphanet 183763, MedGen C5680525, MONDO:0000508.
Intellectual developmental disorder, autosomal dominant 44, with microcephaly. Also called: TRIO-Related Intellectual Disability; Micrognathia-recurrent infections-behavioral abnormalities-mild intellectual disability syndrome. Identifiers: Orphanet 476126, MedGen C4310740, MONDO:0014892, OMIM 617061.
Developmental delay. Also called: Delayed development. Identifiers: MedGen C0424605.

Allele frequency attached by ClinVar (database versions not stated): gnomAD 0.00001; TOPMed 0.00001.
gnomAD v4.1: 7 of 1,613,996 alleles (0.00043%); highest among the groups gnomAD compares: Non-Finnish European, 0.00051%; no homozygotes.

Submissions (4):

Dasa
Classification: Uncertain significance for Syndromic intellectual disability. Last evaluated: 2026-02-17. Review status: criteria provided, single submitter. Criteria: DASA Assertion Criteria. Collection method: clinical testing. Allele origin: germline.
Comment: NM_007118.4(TRIO):c.2105C>T (p.Ser702Leu) is a missense variant that results in the substitution of serine with leucine. This variant is rare in population databases. The currently available literature and clinical evidence are not sufficient to establish a definitive association between this variant and the reported condition. Therefore, this variant is classified as a variant of uncertain significance.

GeneDx
Classification: Uncertain significance. Last evaluated: 2024-02-28. Review status: criteria provided, single submitter. Criteria: GeneDx Variant Classification Process June 2021. Collection method: clinical testing. Allele origin: germline. Affected: yes.
Comment: In silico analysis supports that this missense variant has a deleterious effect on protein structure/function; Has not been previously published as pathogenic or benign to our knowledge; This variant is associated with the following publications: (PMID: 36937954)

Illumina Laboratory Services, Illumina
Classification: Uncertain significance for TRIO-related intellectual disability. Last evaluated: 2021-06-09. Review status: criteria provided, single submitter. Criteria: ICSLVariantClassificationCriteria RUGD 01 April 2020. Collection method: clinical testing. Allele origin: unknown.
Comment: The TRIO c.2105C>T (p.Ser702Leu) variant is a missense variant. A literature search was conducted for the gene, cDNA change, and amino acid change. No publications were identified through this search. This variant is reported at a frequency of 0.000065 in the European (non-Finnish) population of the Genome Aggregation Database (version 2.1.1), but this frequency is based on one allele only in a region of good sequencing coverage, so the variant is presumed rare. In silico algorithms differ in their predictions for this variant, which is not located in a known protein domain. Based on the limited available evidence and the application of ACMG criteria, the p.Ser702Leu variant is classified as a variant of uncertain significance for TRIO-related intellectual disability.

Clinical Laboratory Sciences Program (CLSP), King Saud bin Abdulaziz University for Health Sciences (KSAU-HS)
Classification: Pathogenic for Developmental Delay. Review status: no assertion criteria provided. Collection method: clinical testing. Allele origin: germline. Affected: yes. Not counted in ClinVar's aggregate classification.

Literature cited by the submitters: PubMed 36937954 (cited by Clinical Laboratory Sciences Program (CLSP), King Saud bin Abdulaziz University for Health Sciences (KSAU-HS)).

NM_007118.4(TRIO):c.2105C>T (p.Ser702Leu)

Gene: TRIO (trio Rho guanine nucleotide exchange factor; plus strand). Cytogenetic location: 5p15.2.
Variant type: single nucleotide variant.
Coding change: c.2105C>T on transcript NM_007118.4 (MANE Select); coding-DNA position 2105, C replaced by T.
Protein change: p.Ser702Leu; replaces serine 702 with leucine.
Molecular consequence: missense variant. On other transcripts: non-coding transcript variant (1).
Genome position (GRCh38, 1-based): chr5:14,358,236, C>T. VCF-style: chr5-14358236-C-T. GRCh37 (hg19) VCF-style: chr5-14358345-C-T.
Other names: c.2105C>T (NM_007118.2); short protein forms S702L.
Identifiers: ClinVar variation 1328546 (VCV001328546.13), dbSNP rs1487014323, ClinGen allele CA359204493.
Genomic context (GRCh38, chr5:14,358,236, plus strand): 5'-AGCTGTGGACGTGGCTGGAGGAGCTGCAGAAGGAGCTGCTGGACGACGTGTATGCCGAGT[C>T]GGTGGAGGCCGTGCAGGACCTCATCAAGCGCTTTGGCCAGCAGCAGCAGACCACCCTGCA-3'
Protein context (NP_009049.2, residues 692-712): KELLDDVYAE[Ser702Leu]VEAVQDLIKR